The following is an entry in ClinVar:

NC_000003.12:g.169764708C>G

Genes: TERC (telomerase RNA component; minus strand), LOC110806306 (telomerase RNA component (TERC) promoter; plus strand). Cytogenetic location: 3q26.2.
Variant type: single nucleotide variant.
Genome position: GRCh38 VCF-style: chr3-169764708-C-G. GRCh37 (hg19) VCF-style: chr3-169482496-C-G.
Identifiers: ClinVar variation 2059346 (VCV002059346.4), dbSNP rs2474261997, ClinGen allele CA436714964.

ClinVar aggregate classification (germline): Uncertain significance (1 of 4 stars; one submission).

Conditions:
Dyskeratosis congenita, autosomal dominant 1 (DKCA1). Also called: Dyskeratosis congenita Scoggins type. Identifiers: Orphanet 1775, MedGen C4551974, MONDO:0007485, OMIM 127550. Inheritance: Variable.

Submission:

Labcorp Genetics (formerly Invitae), Labcorp
Classification: Uncertain significance for Dyskeratosis congenita, autosomal dominant 1. Last evaluated: 2025-09-02. Review status: criteria provided, single submitter. Criteria: Invitae Variant Classification Sherloc (09022015). Collection method: clinical testing. Allele origin: germline.
Comment: This variant occurs in the TERC gene, which encodes an RNA molecule that does not result in a protein product. This variant is not present in population databases (gnomAD no frequency). This variant has not been reported in the literature in individuals affected with TERC-related conditions. ClinVar contains an entry for this variant (Variation ID: 2059346). This variant is located within the BoxH/ACA scaRNA domain of the TERC RNA component, which is required for telomerase activity (PMID: 21844345). In summary, the available evidence is currently insufficient to determine the role of this variant in disease. Therefore, it has been classified as a Variant of Uncertain Significance.

Literature cited by the submitters: PubMed 21844345.